The following is an entry in ClinVar:

ClinVar aggregate classification (germline): Uncertain significance. Review status: criteria provided, multiple submitters, no conflicts (2 of 4 stars). 2 submissions from 2 submitters: Uncertain significance (2). Last evaluated 2023-12-19.

Conditions:
Cardiovascular phenotype. Identifiers: MedGen CN230736.
Hereditary cancer-predisposing syndrome. Also called: Hereditary neoplastic syndrome; Tumor predisposition; Neoplastic Syndromes, Hereditary; Hereditary Cancer Syndrome. Identifiers: Orphanet 140162, MedGen C0027672, MeSH D009386, MONDO:0015356.
Neurofibromatosis, type 1 (NF1). Also called: Peripheral type neurofibromatosis; Neurofibromatosis, type I; VON RECKLINGHAUSEN DISEASE; NEUROFIBROMATOSIS, TYPE I, SOMATIC. Identifiers: Orphanet 636, MedGen C0027831, MONDO:0018975, OMIM 162200. Disease mechanism: loss of function.

Submissions (2):

Labcorp Genetics (formerly Invitae), Labcorp
Classification: Uncertain significance for Neurofibromatosis, type 1. Last evaluated: 2023-12-19. Review status: criteria provided, single submitter. Criteria: Invitae Variant Classification Sherloc (09022015). Collection method: clinical testing. Allele origin: germline.
Comment: This sequence change replaces leucine, which is neutral and non-polar, with isoleucine, which is neutral and non-polar, at codon 2602 of the NF1 protein (p.Leu2602Ile). This variant is not present in population databases (gnomAD no frequency). This variant has not been reported in the literature in individuals affected with NF1-related conditions. ClinVar contains an entry for this variant (Variation ID: 2452277). An algorithm developed to predict the effect of missense changes on protein structure and function (PolyPhen-2) suggests that this variant is likely to be disruptive. In summary, the available evidence is currently insufficient to determine the role of this variant in disease. Therefore, it has been classified as a Variant of Uncertain Significance.

Ambry Genetics
Classification: Uncertain significance for Cardiovascular phenotype; Hereditary cancer-predisposing syndrome. Last evaluated: 2023-01-12. Review status: criteria provided, single submitter. Criteria: Ambry Variant Classification Scheme 2023. Collection method: clinical testing. Allele origin: germline.
Comment: The p.L2602I variant (also known as c.7804C>A), located in coding exon 52 of the NF1 gene, results from a C to A substitution at nucleotide position 7804. The leucine at codon 2602 is replaced by isoleucine, an amino acid with highly similar properties. This amino acid position is conserved. In addition, the in silico prediction for this alteration is inconclusive. Since supporting evidence is limited at this time, the clinical significance of this alteration remains unclear.

NM_001042492.3(NF1):c.7867C>A (p.Leu2623Ile)

Gene: NF1 (neurofibromin 1; plus strand). Cytogenetic location: 17q11.2.
Variant type: single nucleotide variant.
Coding change: c.7867C>A on transcript NM_001042492.3 (MANE Select); coding-DNA position 7867, C replaced by A.
Protein change: p.Leu2623Ile; replaces leucine 2623 with isoleucine.
Molecular consequence: missense variant.
Genome position (GRCh38, 1-based): chr17:31,357,088, C>A. VCF-style: chr17-31357088-C-A. GRCh37 (hg19) VCF-style: chr17-29684106-C-A.
Other names: c.7804C>A, p.Leu2602Ile (NM_000267.4); short protein forms L2602I, L2623I.
Identifiers: ClinVar variation 2452277 (VCV002452277.5), dbSNP rs1555536721, ClinGen allele CA399018713.